The following is an entry in ClinVar:

NM_000435.3(NOTCH3):c.5362+2T>A

Gene: NOTCH3 (notch receptor 3; minus strand). Cytogenetic location: 19p13.12.
Variant type: single nucleotide variant.
Coding change: c.5362+2T>A on transcript NM_000435.3 (MANE Select); the canonical splice donor site of the intron after coding-DNA position 5362, T replaced by A.
Molecular consequence: splice donor variant.
Genome position (GRCh38, 1-based): chr19:15,167,247, A>T on the plus strand (T>A on the coding strand, the complement: NOTCH3 is on the minus strand). VCF-style: chr19-15167247-A-T. GRCh37 (hg19) VCF-style: chr19-15278058-A-T.
Identifiers: ClinVar variation 4851589 (VCV004851589.1).

ClinVar aggregate classification (germline): Likely pathogenic (1 of 4 stars; one submission).

Conditions:
Cerebral arteriopathy, autosomal dominant, with subcortical infarcts and leukoencephalopathy, type 1 (CADASIL1). Also called: Cerebral arteriopathy with subcortical infarcts and leukoencephalopathy 1; CADASIL 1; CASIL; DEMENTIA, HEREDITARY MULTIINFARCT TYPE. Identifiers: Orphanet 136, MedGen C4551768, MONDO:0000914, OMIM 125310.

Submission:

CGC Genetics, Unilabs
Classification: Likely pathogenic for Cerebral arteriopathy, autosomal dominant, with subcortical infarcts and leukoencephalopathy, type 1. Last evaluated: 2024-06-25. Review status: criteria provided, single submitter. Criteria: ACMG Guidelines, 2015. Collection method: clinical testing. Allele origin: germline. Inheritance: Autosomal dominant inheritance. Affected: yes. Observed: 2 variant alleles.
Comment: The NM_000435.3:c.5362+2T>A p.? variant, detected in heterozygosity in intron 29 (of 33 exons) of the NOTCH3 gene (chr.19), is not described in the literature nor in the gnomAD and ClinVar databases. This variant is located at a canonical splice donor site, and bioinformatic analysis predicts that it causes skipping of exon 29. Based on currently available information, this variant should be classified as likely pathogenic.